The following is an entry in ClinVar:

ClinVar aggregate classification (germline): Uncertain significance (1 of 4 stars; one submission).

Conditions:
Muscular dystrophy-dystroglycanopathy (congenital with brain and eye anomalies), type a, 8 (MDDGA8). Also called: WALKER-WARBURG SYNDROME OR MUSCLE-EYE-BRAIN DISEASE, GTDC2-RELATED. Identifiers: Orphanet 899, MedGen C3553813, MONDO:0013904, OMIM 614830.

Allele frequency attached by ClinVar (database versions not stated): gnomAD exomes 0.00001.
gnomAD v4.1: 1 of 1,614,162 alleles (0.000062%); no homozygotes.

Submission:

Labcorp Genetics (formerly Invitae), Labcorp
Classification: Uncertain significance for Muscular dystrophy-dystroglycanopathy (congenital with brain and eye anomalies), type a, 8. Last evaluated: 2025-10-02. Review status: criteria provided, single submitter. Criteria: Invitae Variant Classification Sherloc (09022015). Collection method: clinical testing. Allele origin: germline.
Comment: This sequence change replaces tyrosine, which is neutral and polar, with asparagine, which is neutral and polar, at codon 177 of the POMGNT2 protein (p.Tyr177Asn). This variant is present in population databases (no rsID available, gnomAD 0.006%). This variant has not been reported in the literature in individuals affected with POMGNT2-related conditions. ClinVar contains an entry for this variant (Variation ID: 941213). Invitae Evidence Modeling of protein sequence and biophysical properties (such as structural, functional, and spatial information, amino acid conservation, physicochemical variation, residue mobility, and thermodynamic stability) indicates that this missense variant is not expected to disrupt POMGNT2 protein function with a negative predictive value of 80%. In summary, the available evidence is currently insufficient to determine the role of this variant in disease. Therefore, it has been classified as a Variant of Uncertain Significance.

NM_032806.6(POMGNT2):c.529T>A (p.Tyr177Asn)

Gene: POMGNT2 (protein O-linked mannose N-acetylglucosaminyltransferase 2 (beta 1,4-); minus strand). Cytogenetic location: 3p22.1.
Variant type: single nucleotide variant.
Coding change: c.529T>A on transcript NM_032806.6 (MANE Select); coding-DNA position 529, T replaced by A.
Protein change: p.Tyr177Asn; replaces tyrosine 177 with asparagine.
Molecular consequence: missense variant.
Genome position (GRCh38, 1-based): chr3:43,080,903, A>T on the plus strand (T>A on the coding strand, the complement: POMGNT2 is on the minus strand). VCF-style: chr3-43080903-A-T. GRCh37 (hg19) VCF-style: chr3-43122395-A-T.
Other names: short protein forms Y177N.
Identifiers: ClinVar variation 941213 (VCV000941213.5), dbSNP rs1372990845, ClinGen allele CA352303042.